The following is an entry in ClinVar:

ClinVar aggregate classification (germline): Uncertain significance. Review status: criteria provided, multiple submitters, no conflicts (2 of 4 stars). 2 submissions from 2 submitters: Uncertain significance (2). Last evaluated 2024-12-06.

Allele frequency attached by ClinVar (database versions not stated): gnomAD exomes below 0.00001 and 0.00001; TOPMed below 0.00001; ExAC 0.00001; gnomAD 0.00001.
gnomAD v4.1: 9 of 1,613,626 alleles (0.00056%); highest among the groups gnomAD compares: Non-Finnish European, 0.00076%; no homozygotes.

Submissions (2):

Women's Health and Genetics/Laboratory Corporation of America, LabCorp
Classification: Uncertain significance. Last evaluated: 2024-12-06. Review status: criteria provided, single submitter. Criteria: LabCorp Variant Classification Summary - May 2015. Collection method: clinical testing. Allele origin: germline.
Comment: Variant summary: TMC1 c.830A>G (p.Tyr277Cys) results in a non-conservative amino acid change located in the TM2 domain (Santos_2005) of the encoded protein sequence. Five of five in-silico tools predict a damaging effect of the variant on protein function. The variant allele was found at a frequency of 4e-06 in 251380 control chromosomes (gnomAD). The available data on variant occurrences in the general population are insufficient to allow any conclusion about variant significance. c.830A>G has been reported in the literature in at least one individual affected with Nonsyndromic Hearing Loss And Deafness, Type 7 (Santos_2005). These data do not allow any conclusion about variant significance. To our knowledge, no experimental evidence demonstrating an impact on protein function has been reported. The following publications have been ascertained in the context of this evaluation (PMID: 31854501, 30303587, 16134132, 21252500). ClinVar contains an entry for this variant (Variation ID: 597889). Based on the evidence outlined above, the variant was classified as uncertain significance.

Eurofins Ntd Llc (ga)
Classification: Uncertain significance. Last evaluated: 2018-07-09. Review status: criteria provided, single submitter. Criteria: EGL ClinVar v180209 classification definitions. Collection method: clinical testing. Allele origin: germline. Observed: 1 variant allele, 1 heterozygote.

Literature cited by the submitters: PubMed 30303587 (cited by Women's Health and Genetics/Laboratory Corporation of America, LabCorp); PubMed 21252500 (cited by Women's Health and Genetics/Laboratory Corporation of America, LabCorp); PubMed 31854501 (cited by Women's Health and Genetics/Laboratory Corporation of America, LabCorp); PubMed 16134132 (cited by Women's Health and Genetics/Laboratory Corporation of America, LabCorp and Eurofins Ntd Llc (ga)).

NM_138691.3(TMC1):c.830A>G (p.Tyr277Cys)

Gene: TMC1 (transmembrane channel like 1; plus strand). Cytogenetic location: 9q21.13.
Variant type: single nucleotide variant.
Coding change: c.830A>G on transcript NM_138691.3 (MANE Select); coding-DNA position 830, A replaced by G.
Protein change: p.Tyr277Cys; replaces tyrosine 277 with cysteine.
Molecular consequence: missense variant.
Genome position (GRCh38, 1-based): chr9:72,772,501, A>G. VCF-style: chr9-72772501-A-G. GRCh37 (hg19) VCF-style: chr9-75387417-A-G.
Other names: short protein forms Y277C.
Identifiers: ClinVar variation 597889 (VCV000597889.6), dbSNP rs774299359, ClinGen allele CA5081799.